The following is an entry in ClinVar:

NM_015072.5(TTLL5):c.3077A>C (p.Gln1026Pro)

Gene: TTLL5 (tubulin tyrosine ligase like 5; plus strand). Cytogenetic location: 14q24.3.
Variant type: single nucleotide variant.
Coding change: c.3077A>C on transcript NM_015072.5 (MANE Select); coding-DNA position 3077, A replaced by C.
Protein change: p.Gln1026Pro; replaces glutamine 1026 with proline.
Molecular consequence: missense variant.
Genome position (GRCh38, 1-based): chr14:75,793,006, A>C. VCF-style: chr14-75793006-A-C. GRCh37 (hg19) VCF-style: chr14-76259349-A-C.
Other names: c.3077A>C (NM_015072.4); short protein forms Q1026P.
Identifiers: ClinVar variation 2180183 (VCV002180183.4), dbSNP rs2503347872, ClinGen allele CA390473317.

ClinVar aggregate classification (germline): Conflicting classifications of pathogenicity. Review status: criteria provided, conflicting classifications (1 of 4 stars). 2 submissions from 2 submitters: Uncertain significance (1); Likely benign (1). Last evaluated 2025-11-08.

Conditions:
Inborn genetic diseases. Identifiers: MedGen C0950123, MeSH D030342.

Allele frequency attached by ClinVar (database versions not stated): gnomAD exomes 0.00001.
gnomAD v4.1: 8 of 1,613,954 alleles (0.0005%); highest among the groups gnomAD compares: Non-Finnish European, 0.00068%; no homozygotes.

Submissions (2):

Ambry Genetics
Classification: Likely benign for Inborn genetic diseases. Last evaluated: 2025-11-08. Review status: criteria provided, single submitter. Criteria: Ambry Variant Classification Scheme 2023. Collection method: clinical testing. Allele origin: germline.

Labcorp Genetics (formerly Invitae), Labcorp
Classification: Uncertain significance. Last evaluated: 2022-01-03. Review status: criteria provided, single submitter. Criteria: Invitae Variant Classification Sherloc (09022015). Collection method: clinical testing. Allele origin: germline.
Comment: This sequence change replaces glutamine, which is neutral and polar, with proline, which is neutral and non-polar, at codon 1026 of the TTLL5 protein (p.Gln1026Pro). This variant is not present in population databases (gnomAD no frequency). This variant has not been reported in the literature in individuals affected with TTLL5-related conditions. Algorithms developed to predict the effect of missense changes on protein structure and function output the following: SIFT: "Tolerated"; PolyPhen-2: "Benign"; Align-GVGD: "Class C0". The proline amino acid residue is found in multiple mammalian species, which suggests that this missense change does not adversely affect protein function. In summary, the available evidence is currently insufficient to determine the role of this variant in disease. Therefore, it has been classified as a Variant of Uncertain Significance.